The following is an entry in ClinVar:

ClinVar aggregate classification (germline): Uncertain significance (1 of 4 stars; one submission).

Conditions:
Infantile-onset X-linked spinal muscular atrophy. Also called: SPINAL MUSCULAR ATROPHY, X-LINKED LETHAL INFANTILE; Spinal Muscular Atrophy, X-Linked Infantile; Spinal muscular atrophy, X-linked 2; AMC, DISTAL, X-LINKED; ARTHROGRYPOSIS, X-LINKED, TYPE I. Identifiers: Orphanet 1145, MedGen C1844934, MONDO:0010532, OMIM 301830.

Submission:

Labcorp Genetics (formerly Invitae), Labcorp
Classification: Uncertain significance for Infantile-onset X-linked spinal muscular atrophy. Last evaluated: 2025-12-26. Review status: criteria provided, single submitter. Criteria: Invitae Variant Classification Sherloc (09022015). Collection method: clinical testing. Allele origin: germline.
Comment: This sequence change replaces asparagine, which is neutral and polar, with threonine, which is neutral and polar, at codon 212 of the UBA1 protein (p.Asn212Thr). This variant is not present in population databases (gnomAD no frequency). This variant has not been reported in the literature in individuals affected with UBA1-related conditions. An algorithm developed to predict the effect of missense changes on protein structure and function (PolyPhen-2) suggests that this variant is likely to be tolerated. In summary, the available evidence is currently insufficient to determine the role of this variant in disease. Therefore, it has been classified as a Variant of Uncertain Significance.

NM_003334.4(UBA1):c.635A>C (p.Asn212Thr)

Gene: UBA1 (ubiquitin like modifier activating enzyme 1; plus strand). Cytogenetic location: Xp11.3.
Variant type: single nucleotide variant.
Coding change: c.635A>C on transcript NM_003334.4 (MANE Select); coding-DNA position 635, A replaced by C.
Protein change: p.Asn212Thr; replaces asparagine 212 with threonine.
Molecular consequence: missense variant.
Genome position (GRCh38, 1-based): chrX:47,201,323, A>C. VCF-style: chrX-47201323-A-C. GRCh37 (hg19) VCF-style: chrX-47060722-A-C.
Other names: c.677A>C, p.Asn226Thr (NM_001440807.1); c.653A>C, p.Asn218Thr (NM_001440809.1, NM_001440810.1); c.635A>C, p.Asn212Thr (NM_001440811.1, NM_001440812.1, NM_153280.3); short protein forms N218T, N226T, N212T.
Identifiers: ClinVar variation 4696394 (VCV004696394.1).